The following is an entry in ClinVar:

NR_199791.1(RNU2-2):n.104T>G

Genes: RNU2-2 (RNA, U2 small nuclear 2; minus strand), WDR74 (WD repeat domain 74; minus strand). Cytogenetic location: 11q12.3.
Variant type: single nucleotide variant.
Molecular consequence: non-coding transcript variant (on NR_199791.1). On other transcripts: 5 prime UTR variant (1).
Genome position: GRCh38 VCF-style: chr11-62841706-A-C. GRCh37 (hg19) VCF-style: chr11-62609178-A-C.
Other names: c.-435T>G (NM_001369451.1).
Identifiers: ClinVar variation 4540504 (VCV004540504.2).

ClinVar aggregate classification (germline): Likely pathogenic. Review status: criteria provided, multiple submitters, no conflicts (2 of 4 stars). 2 submissions from 2 submitters: Likely pathogenic (2). Last evaluated 2025-12-22.

Conditions:
RNU2-2 related disorder.
RNU2-2 related neurodevelopmental disorder.

Submissions (2):

Undiagnosed Diseases Network, NIH
Classification: Likely pathogenic for RNU2-2 related neurodevelopmental disorder. Last evaluated: 2025-12-22. Review status: criteria provided, single submitter. Criteria: ACMG Guidelines, 2015. Collection method: clinical testing. Allele origin: maternal. Inheritance: Autosomal recessive inheritance. Affected: yes. Observed: 1 variant allele, 1 compound heterozygote. Study: Undiagnosed Diseases Network (NIH), UDN.

Institute for Human Genetics, University Hospital Essen
Classification: Likely pathogenic for RNU2-2 related disorder. Last evaluated: 2025-11-27. Review status: criteria provided, single submitter. Criteria: Submitter's publication. Collection method: clinical testing. Allele origin: inherited. Inheritance: Autosomal recessive inheritance. Affected: yes. Observed: 2 variant alleles, 1 compound heterozygote, 1 homozygote.
Comment: PS4_mod, PM1, PM2_supp, PP1 (criteria rationale detailed in Leitão et al. Nature Genetics 2026)

Literature cited by the submitters: PubMed 40909831 (cited by Undiagnosed Diseases Network, NIH).